The following is an entry in ClinVar:

NM_016373.4(WWOX):c.517C>T (p.His173Tyr)

Gene: WWOX (WW domain containing oxidoreductase; plus strand). Cytogenetic location: 16q23.1.
Variant type: single nucleotide variant.
Coding change: c.517C>T on transcript NM_016373.4 (MANE Select); coding-DNA position 517, C replaced by T.
Protein change: p.His173Tyr; replaces histidine 173 with tyrosine.
Molecular consequence: missense variant.
Genome position (GRCh38, 1-based): chr16:78,386,860, C>T. VCF-style: chr16-78386860-C-T. GRCh37 (hg19) VCF-style: chr16-78420757-C-T.
Other names: c.178C>T, p.His60Tyr (NM_001291997.2); short protein forms H60Y, H173Y.
Identifiers: ClinVar variation 931133 (VCV000931133.3), dbSNP rs777272586, ClinGen allele CA284567498.

ClinVar aggregate classification (germline): Uncertain significance (1 of 4 stars; one submission).

Conditions:
Developmental and epileptic encephalopathy, 28 (DEE28). Also called: Epileptic encephalopathy, early infantile, 28. Identifiers: Orphanet 442835, MedGen C4015519, MONDO:0014533, OMIM 616211.

Allele frequency attached by ClinVar (database versions not stated): gnomAD exomes below 0.00001 and 0.00001.
gnomAD v4.1: 10 of 1,613,578 alleles (0.00062%); highest among the groups gnomAD compares: South Asian, 0.0011%; no homozygotes.

Submission:

Centre for Mendelian Genomics, University Medical Centre Ljubljana
Classification: Uncertain significance for Developmental and epileptic encephalopathy, 28. Last evaluated: 2019-07-05. Review status: criteria provided, single submitter. Criteria: ACMG Guidelines, 2015. Collection method: clinical testing. Allele origin: unknown. Affected: yes.
Comment: This variant was classified as: Uncertain significance. The available evidence on this variant's pathogenicity is insufficient or conflicting. The following ACMG criteria were applied in classifying this variant: PM2,PP3.